The following is an entry in ClinVar:

ClinVar aggregate classification (germline): Uncertain significance (1 of 4 stars; one submission).

Conditions:
Inborn genetic diseases. Identifiers: MedGen C0950123, MeSH D030342.

Allele frequency attached by ClinVar (database versions not stated): TOPMed below 0.00001; gnomAD 0.00001.
gnomAD v4.1: 3 of 1,604,836 alleles (0.00019%); highest among the groups gnomAD compares: African/African-American, 0.004%; no homozygotes.

Submission:

Ambry Genetics
Classification: Uncertain significance for Inborn genetic diseases. Last evaluated: 2023-07-26. Review status: criteria provided, single submitter. Criteria: Ambry Variant Classification Scheme 2023. Collection method: clinical testing. Allele origin: germline.
Comment: The p.I2511M variant (also known as c.7533T>G), located in coding exon 51 of the LRRK2 gene, results from a T to G substitution at nucleotide position 7533. The isoleucine at codon 2511 is replaced by methionine, an amino acid with highly similar properties. This amino acid position is conserved. In addition, this alteration is predicted to be tolerated by in silico analysis. Since supporting evidence is limited at this time, the clinical significance of this alteration remains unclear.

NM_198578.4(LRRK2):c.7533T>G (p.Ile2511Met)

Gene: LRRK2 (leucine rich repeat kinase 2; plus strand). Cytogenetic location: 12q12.
Variant type: single nucleotide variant.
Coding change: c.7533T>G on transcript NM_198578.4 (MANE Select); coding-DNA position 7533, T replaced by G.
Protein change: p.Ile2511Met; replaces isoleucine 2511 with methionine.
Molecular consequence: missense variant.
Genome position (GRCh38, 1-based): chr12:40,367,714, T>G. VCF-style: chr12-40367714-T-G. GRCh37 (hg19) VCF-style: chr12-40761516-T-G.
Other names: short protein forms I2511M.
Identifiers: ClinVar variation 2587269 (VCV002587269.2), dbSNP rs757049368, ClinGen allele CA384416175.